The following is an entry in ClinVar:

NM_000090.4(COL3A1):c.1399G>C (p.Asp467His)

Gene: COL3A1 (collagen type III alpha 1 chain; plus strand). Cytogenetic location: 2q32.2.
Variant type: single nucleotide variant.
Coding change: c.1399G>C on transcript NM_000090.4 (MANE Select); coding-DNA position 1399, G replaced by C.
Protein change: p.Asp467His; replaces aspartic acid 467 with histidine.
Molecular consequence: missense variant.
Genome position (GRCh38, 1-based): chr2:188,994,775, G>C. VCF-style: chr2-188994775-G-C. GRCh37 (hg19) VCF-style: chr2-189859501-G-C.
Other names: short protein forms D467H.
Identifiers: ClinVar variation 3893979 (VCV003893979.1).

ClinVar aggregate classification (germline): Uncertain significance (1 of 4 stars; one submission).

Conditions:
Familial thoracic aortic aneurysm and aortic dissection (TAAD). Also called: Thoracic aortic aneurysms and dissections. Identifiers: Orphanet 91387, MedGen C4707243, MONDO:0019625.

Submission:

Color Diagnostics, LLC DBA Color Health
Classification: Uncertain significance for Familial thoracic aortic aneurysm and aortic dissection. Last evaluated: 2024-06-17. Review status: criteria provided, single submitter. Criteria: ACMG Guidelines, 2015. Collection method: clinical testing. Allele origin: germline.
Comment: This missense variant replaces aspartic acid with histidine at codon 467 of the COL3A1 protein. Computational prediction tools indicate that this variant has a neutral impact on protein structure and function. To our knowledge, functional studies have not been reported for this variant. This variant has not been reported in individuals affected with COL3A1-related disorders in the literature. This variant has not been identified in the general population by the Genome Aggregation Database (gnomAD). The available evidence is insufficient to determine the role of this variant in disease conclusively. Therefore, this variant is classified as a Variant of Uncertain Significance.